The following is an entry in ClinVar:

NM_001447.3(FAT2):c.4405C>T (p.Arg1469Ter)

Genes: FAT2 (FAT atypical cadherin 2; minus strand), SLC36A1 (solute carrier family 36 member 1; plus strand). Cytogenetic location: 5q33.1.
Variant type: single nucleotide variant.
Coding change: c.4405C>T on transcript NM_001447.3 (MANE Select); coding-DNA position 4405, C replaced by T.
Protein change: p.Arg1469Ter; replaces arginine 1469 with a stop codon.
Molecular consequence: nonsense.
Genome position (GRCh38, 1-based): chr5:151,550,763, G>A on the plus strand (C>T on the coding strand, the complement: FAT2 is on the minus strand). VCF-style: chr5-151550763-G-A. GRCh37 (hg19) VCF-style: chr5-150930324-G-A.
Other names: short protein forms R1469*.
Identifiers: ClinVar variation 4874055 (VCV004874055.2).

ClinVar aggregate classification (germline): Uncertain significance (1 of 4 stars; one submission).

gnomAD v4.1: 13 of 1,613,930 alleles (0.00081%); highest among the groups gnomAD compares: African/African-American, 0.0027%; no homozygotes.

Submission:

CeGaT Center for Human Genetics Tuebingen
Classification: Uncertain significance. Last evaluated: 2026-06-01. Review status: criteria provided, single submitter. Criteria: CeGaT Center For Human Genetics Tuebingen Variant Classification Criteria Version 2. Collection method: clinical testing. Allele origin: germline. Affected: yes. Observed: 1 variant allele.
Comment: FAT2: PVS1:Moderate